The following is an entry in ClinVar:

ClinVar aggregate classification (germline): Uncertain significance (1 of 4 stars; one submission).

Allele frequency attached by ClinVar (database versions not stated): ESP Exome Variant Server 0.00008.
gnomAD v4.1: 32 of 1,613,850 alleles (0.002%); highest among the groups gnomAD compares: African/African-American, 0.016%; no homozygotes.

Submission:

Labcorp Genetics (formerly Invitae), Labcorp
Classification: Uncertain significance. Last evaluated: 2023-11-21. Review status: criteria provided, single submitter. Criteria: Invitae Variant Classification Sherloc (09022015). Collection method: clinical testing. Allele origin: germline.
Comment: This sequence change replaces arginine, which is basic and polar, with leucine, which is neutral and non-polar, at codon 284 of the KRT17 protein (p.Arg284Leu). This variant is present in population databases (rs376512226, gnomAD 0.04%). This variant has not been reported in the literature in individuals affected with KRT17-related conditions. Advanced modeling of protein sequence and biophysical properties (such as structural, functional, and spatial information, amino acid conservation, physicochemical variation, residue mobility, and thermodynamic stability) has been performed at Invitae for this missense variant, however the output from this modeling did not meet the statistical confidence thresholds required to predict the impact of this variant on KRT17 protein function. In summary, the available evidence is currently insufficient to determine the role of this variant in disease. Therefore, it has been classified as a Variant of Uncertain Significance.

NM_000422.3(KRT17):c.851G>T (p.Arg284Leu)

Gene: KRT17 (keratin 17; minus strand). Cytogenetic location: 17q21.2.
Variant type: single nucleotide variant.
Coding change: c.851G>T on transcript NM_000422.3 (MANE Select); coding-DNA position 851, G replaced by T.
Protein change: p.Arg284Leu; replaces arginine 284 with leucine.
Molecular consequence: missense variant.
Genome position (GRCh38, 1-based): chr17:41,621,075, C>A on the plus strand (G>T on the coding strand, the complement: KRT17 is on the minus strand). VCF-style: chr17-41621075-C-A. GRCh37 (hg19) VCF-style: chr17-39777327-C-A.
Other names: short protein forms R284L.
Identifiers: ClinVar variation 2885227 (VCV002885227.3), dbSNP rs376512226, ClinGen allele CA8563573.